The following is an entry in ClinVar:

ClinVar aggregate classification (germline): Pathogenic (1 of 4 stars; one submission).

Conditions:
Familial cancer of breast. Also called: Hereditary breast cancer; hereditary breast carcinoma; BREAST CANCER, FAMILIAL. Identifiers: Orphanet 227535, MedGen C0346153, MONDO:0016419, OMIM 114480. Disease mechanism: loss of function.

Submission:

Labcorp Genetics (formerly Invitae), Labcorp
Classification: Pathogenic for Familial cancer of breast. Last evaluated: 2024-07-11. Review status: criteria provided, single submitter. Criteria: Invitae Variant Classification Sherloc (09022015). Collection method: clinical testing. Allele origin: germline.
Comment: This sequence change creates a premature translational stop signal (p.Gln1056Lysfs*19) in the PALB2 gene. It is expected to result in an absent or disrupted protein product. Loss-of-function variants in PALB2 are known to be pathogenic (PMID: 17200668, 17200671, 17200672, 24136930, 25099575). This variant is not present in population databases (gnomAD no frequency). This variant has not been reported in the literature in individuals affected with PALB2-related conditions. For these reasons, this variant has been classified as Pathogenic.

Literature cited by the submitters: PubMed 17200668; PubMed 17200671; PubMed 17200672; PubMed 24136930; PubMed 25099575.

NM_024675.4(PALB2):c.3166del (p.Gln1056fs)

Gene: PALB2 (partner and localizer of BRCA2; minus strand). Cytogenetic location: 16p12.2.
Variant type: Deletion.
Coding change: c.3166del on transcript NM_024675.4 (MANE Select); coding-DNA position 3166, one base deleted (C; older notation c.3166delC).
Protein change: p.Gln1056fs; shifts the reading frame from glutamine 1056.
Molecular consequence: frameshift variant. On other transcripts: intron variant (3).
Genome position (GRCh38, 1-based): chr16:23,614,039, G deleted on the plus strand (C on the coding strand, the reverse complement: PALB2 is on the minus strand); the first of 2 consecutive G bases (chr16:23,614,039-23,614,040); deleting either gives the same sequence. VCF-style (leftmost placement, unchanged base first): chr16-23614038-TG-T. GRCh37 (hg19) VCF-style: chr16-23625359-TG-T.
Other names: c.2281del, p.Gln761fs (NM_001407310.1, NM_001407311.1, NM_001407304.1 and 2 more transcripts); c.1378del, p.Gln460fs (NM_001407312.1, NM_001407313.1); c.700del, p.Gln234fs (NM_001407314.1); c.2228+7323del (NM_001407308.1, NM_001407309.1); c.3113+7323del (NM_001407299.1); c.3106del, p.Gln1036fs (NM_001407296.1); c.3094del, p.Gln1032fs (NM_001407297.1); c.3004del, p.Gln1002fs (NM_001407298.1, NM_001407302.1); and 3 more; short protein forms Q1036fs, Q1056fs, Q1002fs, Q460fs, Q963fs, Q1032fs, Q234fs, Q707fs.
Identifiers: ClinVar variation 3659182 (VCV003659182.2).